The following is an entry in ClinVar:

NM_018684.4(ZC4H2):c.674AAAG[1] (p.Ter225=)

Gene: ZC4H2 (zinc finger C4H2-type containing; minus strand). Cytogenetic location: Xq11.2.
Variant type: Microsatellite.
Coding change: c.674AAAG[1] on transcript NM_018684.4 (MANE Select); one copy of the 4-base unit AAAG starting at c.674; the reference has two copies in a row; one copy, 4 bases deleted.
Protein change: p.Ter225=.
Molecular consequence: no sequence alteration. On other transcripts: frameshift variant (1), non-coding transcript variant (1).
Genome position (GRCh38, 1-based): chrX:64,917,777-64,917,780, CTTT deleted on the plus strand (AAAG on the coding strand, the reverse complement: ZC4H2 is on the minus strand); deleting any 4 consecutive bases within chrX:64,917,777-64,917,784 gives the same sequence; the position shown is the placement nearest the transcript's 3' end. VCF-style (leftmost placement, unchanged base first): chrX-64917776-CCTTT-C. GRCh37 (hg19) VCF-style: chrX-64137656-CCTTT-C.
Other names: c.605AAAG[1], p.Ter202= (NM_001178032.3, NM_001243804.2); c.515_518del, p.Glu172fs (NM_001178033.3); short protein forms E172fs.
Identifiers: ClinVar variation 3730904 (VCV003730904.1).

ClinVar aggregate classification (germline): Uncertain significance (1 of 4 stars; one submission).

Submission:

GeneDx
Classification: Uncertain significance. Last evaluated: 2024-08-13. Review status: criteria provided, single submitter. Criteria: GeneDx Variant Classification Process June 2021. Collection method: clinical testing. Allele origin: germline. Affected: yes.
Comment: Frameshift variant predicted to result in protein truncation as the last 5 amino acids are replaced with 18 different amino acids, although loss-of-function variants have not been reported downstream of this position in the protein; Has not been previously published as pathogenic or benign to our knowledge; Reported using an alternate transcript of the gene